The following is an entry in ClinVar:

NM_000539.3(RHO):c.1033G>T (p.Val345Leu)

Gene: RHO (rhodopsin; plus strand). Cytogenetic location: 3q22.1.
Variant type: single nucleotide variant.
Coding change: c.1033G>T on transcript NM_000539.3 (MANE Select); coding-DNA position 1033, G replaced by T.
Protein change: p.Val345Leu; replaces valine 345 with leucine.
Molecular consequence: missense variant.
Genome position (GRCh38, 1-based): chr3:129,533,704, G>T. VCF-style: chr3-129533704-G-T. GRCh37 (hg19) VCF-style: chr3-129252547-G-T.
Other names: short protein forms V345L.
Identifiers: ClinVar variation 636081 (VCV000636081.9), dbSNP rs104893795, ClinGen allele CA354471268.

ClinVar aggregate classification (germline): Pathogenic. Review status: criteria provided, single submitter (1 of 4 stars). 2 submissions from 2 submitters: Pathogenic (1). 1 of the submissions does not count toward it. Last evaluated 2023-11-27.

Conditions:
Retinitis pigmentosa (RP). Identifiers: Orphanet 791, MedGen C0035334, MeSH D012174, MONDO:0019200, OMIM 268000. Inheritance: Autosomal dominant, autosomal recessive and X linked inheritance.

Submissions (2):

Labcorp Genetics (formerly Invitae), Labcorp
Classification: Pathogenic. Last evaluated: 2023-11-27. Review status: criteria provided, single submitter. Criteria: Invitae Variant Classification Sherloc (09022015). Collection method: clinical testing. Allele origin: germline.
Comment: This sequence change replaces valine, which is neutral and non-polar, with leucine, which is neutral and non-polar, at codon 345 of the RHO protein (p.Val345Leu). This variant is not present in population databases (gnomAD no frequency). This missense change has been observed in individuals with autosomal dominant retinitis pigmentosa (PMID: 8045708, 8088850, 24938718; Invitae). It has also been observed to segregate with disease in related individuals. ClinVar contains an entry for this variant (Variation ID: 636081). Advanced modeling of protein sequence and biophysical properties (such as structural, functional, and spatial information, amino acid conservation, physicochemical variation, residue mobility, and thermodynamic stability) performed at Invitae indicates that this missense variant is expected to disrupt RHO protein function with a positive predictive value of 95%. For these reasons, this variant has been classified as Pathogenic.

Department of Clinical Genetics, Copenhagen University Hospital, Rigshospitalet
Classification: Likely pathogenic for Retinitis pigmentosa. Last evaluated: 2018-04-01. Review status: no assertion criteria provided. Collection method: research. Allele origin: unknown. Affected: yes. Study: VeluxRD. Not counted in ClinVar's aggregate classification.

Literature cited by the submitters: PubMed 8045708 (cited by Labcorp Genetics (formerly Invitae), Labcorp); PubMed 8088850 (cited by Labcorp Genetics (formerly Invitae), Labcorp); PubMed 24938718 (cited by Labcorp Genetics (formerly Invitae), Labcorp); PubMed 30718709 (cited by Department of Clinical Genetics, Copenhagen University Hospital, Rigshospitalet).